The following is an entry in ClinVar:

NM_001272046.2(VWA2):c.1549C>T (p.Leu517=)

Genes: AFAP1L2 (actin filament associated protein 1 like 2; minus strand), VWA2 (von Willebrand factor A domain containing 2; plus strand). Cytogenetic location: 10q25.3.
Variant type: single nucleotide variant.
Coding change: c.1549C>T on transcript NM_001272046.2 (MANE Select); coding-DNA position 1549, C replaced by T.
Protein change: p.Leu517=; no amino-acid change (leucine 517 retained).
Molecular consequence: synonymous variant.
Genome position (GRCh38, 1-based): chr10:114,286,490, C>T. VCF-style: chr10-114286490-C-T. GRCh37 (hg19) VCF-style: chr10-116046249-C-T.
Other names: c.1549C>T, p.Leu517= (NM_001320804.1).
Identifiers: ClinVar variation 3029315 (VCV003029315.2), dbSNP rs746074456, ClinGen allele CA5700724.

ClinVar aggregate classification (germline): Likely benign (0 of 4 stars; one submission).

Conditions:
VWA2-related disorder. Also called: VWA2-related condition.

Allele frequency attached by ClinVar (database versions not stated): ExAC 0.00002; gnomAD 0.00002; gnomAD exomes 0.00002; TOPMed 0.00003.
gnomAD v4.1: 27 of 1,583,188 alleles (0.0017%); highest among the groups gnomAD compares: South Asian, 0.027%; no homozygotes.

Submission:

PreventionGenetics, part of Exact Sciences
Classification: Likely benign for VWA2-related condition. Last evaluated: 2021-05-10. Review status: no assertion criteria provided. Collection method: clinical testing. Allele origin: germline.
Comment: This variant is classified as likely benign based on ACMG/AMP sequence variant interpretation guidelines (Richards et al. 2015 PMID: 25741868, with internal and published modifications).